The following is an entry in ClinVar:

NM_144966.5(FREM1):c.*2320A>C

Gene: FREM1 (FRAS1 related extracellular matrix 1; minus strand). Cytogenetic location: 9p22.3.
Variant type: single nucleotide variant.
Coding change: c.*2320A>C on transcript NM_144966.5; 2320 bases downstream of the stop codon, A replaced by C.
Genome position (GRCh38, 1-based): chr9:14,735,076, T>G on the plus strand (A>C on the coding strand, the complement: FREM1 is on the minus strand). VCF-style: chr9-14735076-T-G. GRCh37 (hg19) VCF-style: chr9-14735074-T-G.
Identifiers: ClinVar variation 366059 (VCV000366059.8), dbSNP rs2270527, ClinGen allele CA10633395.

ClinVar aggregate classification (germline): Benign. Review status: criteria provided, multiple submitters, no conflicts (2 of 4 stars). 2 submissions from 2 submitters: Benign (2). Last evaluated 2018-01-13.

Conditions:
Oculotrichoanal syndrome (MOTA). Also called: MARLES SYNDROME; Manitoba Oculotrichoanal (MOTA) Syndrome. Identifiers: Orphanet 2717, MedGen C1855425, MONDO:0009560, OMIM 248450.

Allele frequency attached by ClinVar (database versions not stated): TOPMed 0.64230; 1000 Genomes Project 0.57827; 1000 Genomes Project 30x 0.58120; gnomAD 0.63925; gnomAD exomes 0.71875.

Submissions (2):

Illumina Laboratory Services, Illumina
Classification: Benign for Oculotrichoanal syndrome. Last evaluated: 2018-01-13. Review status: criteria provided, single submitter. Criteria: ICSL Variant Classification Criteria 13 December 2019. Collection method: clinical testing. Allele origin: germline.
Comment: This variant was observed in the ICSL laboratory as part of a predisposition screen in an ostensibly healthy population. It had not been previously curated by ICSL or reported in the Human Gene Mutation Database (HGMD: prior to June 1st, 2018), and was therefore a candidate for classification through an automated scoring system. Utilizing variant allele frequency, disease prevalence and penetrance estimates, and inheritance mode, an automated score was calculated to assess if this variant is too frequent to cause the disease. Based on the score and internal cut-off values, a variant classified as benign is not then subjected to further curation. The score for this variant resulted in a classification of benign for this disease.

Breakthrough Genomics
Classification: Benign. Review status: criteria provided, single submitter. Criteria: ACMG Guidelines, 2015. Collection method: not provided. Allele origin: germline. Inheritance: Autosomal recessive inheritance. Affected: yes.